The following is an entry in ClinVar:

NM_020987.5(ANK3):c.1690-7_1690-4dup

Gene: ANK3 (ankyrin 3; minus strand). Cytogenetic location: 10q21.2.
Variant type: Duplication.
Coding change: c.1690-7_1690-4dup on transcript NM_020987.5 (MANE Select); 7 bases into the intron before coding-DNA position 1690 through 4 bases into the intron before coding-DNA position 1690, 4 bases duplicated (TTTT; older notation c.1690-7_1690-4dupTTTT).
Molecular consequence: intron variant.
Genome position (GRCh38, 1-based): chr10:60,196,629-60,196,632, AAAA duplicated on the plus strand (TTTT on the coding strand, the reverse complement: ANK3 is on the minus strand); duplicating any 4 consecutive bases within chr10:60,196,629-60,196,640 gives the same sequence; the c. name uses the placement nearest the transcript's 3' end. VCF-style (leftmost placement, unchanged base first): chr10-60196628-G-GAAAA. GRCh37 (hg19) VCF-style: chr10-61956386-G-GAAAA.
Other names: c.1672-7_1672-4dup (NM_001204403.2); c.1639-7_1639-4dup (NM_001204404.2); c.1690-7_1690-4dup (NM_001320874.2).
Identifiers: ClinVar variation 3037817 (VCV003037817.2), dbSNP rs34796699, ClinGen allele CA5513053.

ClinVar aggregate classification (germline): Likely benign (0 of 4 stars; one submission).

Conditions:
ANK3-related disorder. Also called: ANK3-related condition.

Submission:

PreventionGenetics, part of Exact Sciences
Classification: Likely benign for ANK3-related condition. Last evaluated: 2023-12-27. Review status: no assertion criteria provided. Collection method: clinical testing. Allele origin: germline.
Comment: This variant is classified as likely benign based on ACMG/AMP sequence variant interpretation guidelines (Richards et al. 2015 PMID: 25741868, with internal and published modifications).